The following is an entry in ClinVar:

NM_007259.5(VPS45):c.301G>A (p.Val101Met)

Gene: VPS45 (vacuolar protein sorting 45 homolog; plus strand). Cytogenetic location: 1q21.2.
Variant type: single nucleotide variant.
Coding change: c.301G>A on transcript NM_007259.5 (MANE Select); coding-DNA position 301, G replaced by A.
Protein change: p.Val101Met; replaces valine 101 with methionine.
Molecular consequence: missense variant. On other transcripts: non-coding transcript variant (1).
Genome position (GRCh38, 1-based): chr1:150,076,244, G>A. VCF-style: chr1-150076244-G-A. GRCh37 (hg19) VCF-style: chr1-150048322-G-A.
Other names: c.193G>A, p.Val65Met (NM_001279353.2, NM_001279354.2); short protein forms V65M, V101M.
Identifiers: ClinVar variation 2147179 (VCV002147179.1), dbSNP rs782440378, ClinGen allele CA1073106.

ClinVar aggregate classification (germline): Uncertain significance (1 of 4 stars; one submission).

Conditions:
Congenital neutropenia-myelofibrosis-nephromegaly syndrome. Also called: Severe congenital neutropenia 5, autosomal recessive. Identifiers: Orphanet 369852, MedGen C3809031, MONDO:0014118, OMIM 615285.

Allele frequency attached by ClinVar (database versions not stated): gnomAD exomes 0.00001; gnomAD 0.00003; TOPMed 0.00005; ExAC 0.00009.

Submission:

Labcorp Genetics (formerly Invitae), Labcorp
Classification: Uncertain significance for Congenital neutropenia-myelofibrosis-nephromegaly syndrome. Last evaluated: 2021-09-17. Review status: criteria provided, single submitter. Criteria: Invitae Variant Classification Sherloc (09022015). Collection method: clinical testing. Allele origin: germline.
Comment: This sequence change replaces valine with methionine at codon 101 of the VPS45 protein (p.Val101Met). The valine residue is moderately conserved and there is a small physicochemical difference between valine and methionine. This variant is present in population databases (rs782440378, ExAC 0.1%). This variant has not been reported in the literature in individuals with VPS45-related conditions. Algorithms developed to predict the effect of missense changes on protein structure and function are either unavailable or do not agree on the potential impact of this missense change (SIFT: "Deleterious"; PolyPhen-2: "Probably Damaging"; Align-GVGD: "Class C0"). In summary, the available evidence is currently insufficient to determine the role of this variant in disease. Therefore, it has been classified as a Variant of Uncertain Significance.